The following is an entry in ClinVar:

NM_001326411.2(PISD):c.32G>C (p.Gly11Ala)

Genes: PISD (phosphatidylserine decarboxylase; minus strand), LOC126863123 (P300/CBP strongly-dependent group 1 enhancer GRCh37_chr22:32057235-32058434; plus strand). Cytogenetic location: 22q12.2.
Variant type: single nucleotide variant.
Coding change: c.32G>C on transcript NM_001326411.2 (MANE Select); coding-DNA position 32, G replaced by C.
Protein change: p.Gly11Ala; replaces glycine 11 with alanine.
Molecular consequence: missense variant. On other transcripts: 5 prime UTR variant (8).
Genome position (GRCh38, 1-based): chr22:31,662,177, C>G on the plus strand (G>C on the coding strand, the complement: PISD is on the minus strand). VCF-style: chr22-31662177-C-G. GRCh37 (hg19) VCF-style: chr22-32058163-C-G.
Other names: c.32G>C, p.Gly11Ala (NM_001326412.1, NM_001326421.1); c.-118G>C (NM_001326413.2); c.-198G>C (NM_001326414.2); c.-411G>C (NM_001326415.2); c.-600G>C (NM_001326416.2); c.-491G>C (NM_001326417.2, NM_001326419.2); c.-69G>C (NM_001326418.2, NM_001326420.2); short protein forms G11A.
Identifiers: ClinVar variation 2189051 (VCV002189051.4), dbSNP rs371988815, ClinGen allele CA10195042.

ClinVar aggregate classification (germline): Uncertain significance (1 of 4 stars; one submission).

Allele frequency attached by ClinVar (database versions not stated): TOPMed below 0.00001; gnomAD 0.00001; ExAC 0.00003; 1000 Genomes Project 30x 0.00016; 1000 Genomes Project 0.00020.
gnomAD v4.1: 8 of 1,606,406 alleles (0.0005%); highest among the groups gnomAD compares: East Asian, 0.0022%; no homozygotes.

Submission:

Labcorp Genetics (formerly Invitae), Labcorp
Classification: Uncertain significance. Last evaluated: 2022-06-10. Review status: criteria provided, single submitter. Criteria: Invitae Variant Classification Sherloc (09022015). Collection method: clinical testing. Allele origin: germline.
Comment: This sequence change replaces glycine, which is neutral and non-polar, with alanine, which is neutral and non-polar, at codon 11 of the PISD protein (p.Gly11Ala). In summary, the available evidence is currently insufficient to determine the role of this variant in disease. Therefore, it has been classified as a Variant of Uncertain Significance. Algorithms developed to predict the effect of missense changes on protein structure and function are either unavailable or do not agree on the potential impact of this missense change (SIFT: "Not Available"; PolyPhen-2: "Benign"; Align-GVGD: "Not Available"). This variant has not been reported in the literature in individuals affected with PISD-related conditions. This variant is present in population databases (rs371988815, gnomAD 0.02%).